The following is an entry in ClinVar:

ClinVar aggregate classification (germline): Likely benign. Review status: criteria provided, single submitter (1 of 4 stars). 2 submissions from 2 submitters: Likely benign (1). 1 of the submissions does not count toward it. Last evaluated 2025-06-04.

Conditions:
LAMA5-related disorder. Also called: LAMA5-related condition; LAMA5-Related Disorders.

gnomAD v4.1: 22 of 1,597,994 alleles (0.0014%); highest among the groups gnomAD compares: East Asian, 0.045%; no homozygotes.

Submissions (2):

Labcorp Genetics (formerly Invitae), Labcorp
Classification: Likely benign. Last evaluated: 2025-06-04. Review status: criteria provided, single submitter. Criteria: Invitae Variant Classification Sherloc (09022015). Collection method: clinical testing. Allele origin: germline.

PreventionGenetics, part of Exact Sciences
Classification: Likely benign for LAMA5-related condition. Last evaluated: 2021-04-26. Review status: no assertion criteria provided. Collection method: clinical testing. Allele origin: germline. Not counted in ClinVar's aggregate classification.
Comment: This variant is classified as likely benign based on ACMG/AMP sequence variant interpretation guidelines (Richards et al. 2015 PMID: 25741868, with internal and published modifications).

NM_005560.6(LAMA5):c.9315G>A (p.Arg3105=)

Gene: LAMA5 (laminin subunit alpha 5; minus strand). Cytogenetic location: 20q13.33.
Variant type: single nucleotide variant.
Coding change: c.9315G>A on transcript NM_005560.6 (MANE Select); coding-DNA position 9315, G replaced by A.
Protein change: p.Arg3105=; no amino-acid change (arginine 3105 retained).
Molecular consequence: synonymous variant.
Genome position (GRCh38, 1-based): chr20:62,312,445, C>T on the plus strand (G>A on the coding strand, the complement: LAMA5 is on the minus strand). VCF-style: chr20-62312445-C-T. GRCh37 (hg19) VCF-style: chr20-60887501-C-T.
Identifiers: ClinVar variation 3036016 (VCV003036016.3), dbSNP rs755981207, ClinGen allele CA9940317.